The following is an entry in ClinVar:

NM_020921.4(NIN):c.2642_2646del (p.Lys881fs)

Gene: NIN (ninein; minus strand). Cytogenetic location: 14q22.1.
Variant type: Deletion.
Coding change: c.2642_2646del on transcript NM_020921.4 (MANE Select); coding-DNA positions 2642 to 2646, 5 bases deleted (AGAGA; older notation c.2642_2646delAGAGA).
Protein change: p.Lys881fs; shifts the reading frame from lysine 881.
Molecular consequence: frameshift variant. On other transcripts: intron variant (1).
Genome position (GRCh38, 1-based): chr14:50,758,384-50,758,388, TCTCT deleted on the plus strand (AGAGA on the coding strand, the reverse complement: NIN is on the minus strand); deleting any 5 consecutive bases within chr14:50,758,384-50,758,389 gives the same sequence; the c. name uses the placement nearest the transcript's 3' end. VCF-style (leftmost placement, unchanged base first): chr14-50758383-CTCTCT-C. GRCh37 (hg19) VCF-style: chr14-51225101-CTCTCT-C.
Other names: c.2642_2646del, p.Lys881fs (NM_182944.3, NM_182946.2); c.2399+1469_2399+1473del (NM_016350.5); c.2642_2646delAGAGA (NM_020921.4); short protein forms K881fs.
Identifiers: ClinVar variation 2753930 (VCV002753930.4), dbSNP rs754668208, ClinGen allele CA7181895.

ClinVar aggregate classification (germline): Conflicting classifications of pathogenicity. Review status: criteria provided, conflicting classifications (1 of 4 stars). 2 submissions from 2 submitters: Pathogenic (1); Uncertain significance (1). Last evaluated 2025-07-19.

Conditions:
Seckel syndrome 7 (SCKL7). Identifiers: Orphanet 319675, MedGen C3553870, MONDO:0013922, OMIM 614851.

Submissions (2):

Labcorp Genetics (formerly Invitae), Labcorp
Classification: Uncertain significance. Last evaluated: 2025-07-19. Review status: criteria provided, single submitter. Criteria: Invitae Variant Classification Sherloc (09022015). Collection method: clinical testing. Allele origin: germline.
Comment: This sequence change creates a premature translational stop signal (p.Lys881Argfs*45) in the NIN gene. It is expected to result in an absent or disrupted protein product. However, the current clinical and genetic evidence is not sufficient to establish whether loss-of-function variants in NIN cause disease. This variant is present in population databases (rs754668208, gnomAD 0.006%). This variant has not been reported in the literature in individuals affected with NIN-related conditions. ClinVar contains an entry for this variant (Variation ID: 2753930). In summary, the available evidence is currently insufficient to determine the role of this variant in disease. Therefore, it has been classified as a Variant of Uncertain Significance.

Women's Health and Genetics/Laboratory Corporation of America, LabCorp
Classification: Pathogenic for Seckel syndrome 7. Last evaluated: 2025-07-10. Review status: criteria provided, single submitter. Criteria: LabCorp Variant Classification Summary - May 2015. Collection method: clinical testing. Allele origin: germline.
Comment: Variant summary: NIN c.2642_2646delAGAGA (p.Lys881ArgfsX45) results in a premature termination codon, predicted to cause a truncation of the encoded protein or absence of the protein due to nonsense mediated decay, which are commonly known mechanisms for disease. The variant allele was found at a frequency of 1.6e-05 in 251412 control chromosomes. To our knowledge, no occurrence of c.2642_2646delAGAGA in individuals affected with Seckel Syndrome 7 and no experimental evidence demonstrating its impact on protein function have been reported. ClinVar contains an entry for this variant (Variation ID: 2753930). Based on the evidence outlined above, the variant was classified as pathogenic.